The following is an entry in ClinVar:

ClinVar aggregate classification (germline): Likely benign (1 of 4 stars; one submission).

Allele frequency attached by ClinVar (database versions not stated): gnomAD exomes 0.00001; TOPMed 0.00001.
gnomAD v4.1: 7 of 1,593,246 alleles (0.00044%); highest among the groups gnomAD compares: Admixed American, 0.0017%; no homozygotes.

Submission:

CeGaT Center for Human Genetics Tuebingen
Classification: Likely benign. Last evaluated: 2023-03-01. Review status: criteria provided, single submitter. Criteria: CeGaT Center For Human Genetics Tuebingen Variant Classification Criteria Version 2. Collection method: clinical testing. Allele origin: germline. Affected: yes. Observed: 1 variant allele.
Comment: ANKRD11: BP4, BP7

NM_013275.6(ANKRD11):c.5613C>T (p.Ala1871=)

Gene: ANKRD11 (ankyrin repeat domain 11; minus strand). Cytogenetic location: 16q24.3.
Variant type: single nucleotide variant.
Coding change: c.5613C>T on transcript NM_013275.6 (MANE Select); coding-DNA position 5613, C replaced by T.
Protein change: p.Ala1871=; no amino-acid change (alanine 1871 retained).
Molecular consequence: synonymous variant.
Genome position (GRCh38, 1-based): chr16:89,280,929, G>A on the plus strand (C>T on the coding strand, the complement: ANKRD11 is on the minus strand). VCF-style: chr16-89280929-G-A. GRCh37 (hg19) VCF-style: chr16-89347337-G-A.
Other names: c.5613C>T, p.Ala1871= (NM_001256182.2, NM_001256183.2).
Identifiers: ClinVar variation 2647064 (VCV002647064.24), dbSNP rs1334508447, ClinGen allele CA497373891.
Genomic context (GRCh38, chr16:89,280,929, plus strand): 5'-GGAAGGTTTTGCTTGTAAACTTGAGAAGACGCCCTCTGGAGACGGGGTGACAGTGACAAC[G>A]GCAGCCGGTGGGCAGTGCAAAGCGTCGACTTTGGGCGACGGGAGGCCATAGTCTGGGGAG-3'
Protein context (NP_037407.4, residues 1861-1881): KVDALHCPPA[Ala1871=]VVTVTPSPEG